The following is an entry in ClinVar:

ClinVar aggregate classification (germline): Uncertain significance (1 of 4 stars; one submission).

Conditions:
Renal coloboma syndrome (PAPRS). Also called: PAPILLORENAL SYNDROME WITH MILD OCULAR ABNORMALITIES; CONGENITAL ANOMALIES OF THE KIDNEY AND URINARY TRACT WITH OR WITHOUT OCULAR ABNORMALITIES; CAKUT WITH OR WITHOUT OCULAR ABNORMALITIES; PAPILLORENAL SYNDROME; COLOBOMA OF OPTIC NERVE WITH RENAL DISEASE; OPTIC COLOBOMA, VESICOURETERAL REFLUX, AND RENAL ANOMALIES. Identifiers: Orphanet 1475, MedGen C1852759, MONDO:0007352, OMIM 120330.
Focal segmental glomerulosclerosis 7 (FSGS7). Identifiers: MONDO:0014451, OMIM 616002, Orphanet 656, MedGen C4014925.

Submission:

Labcorp Genetics (formerly Invitae), Labcorp
Classification: Uncertain significance for Renal coloboma syndrome; Focal segmental glomerulosclerosis 7. Last evaluated: 2024-10-23. Review status: criteria provided, single submitter. Criteria: Invitae Variant Classification Sherloc (09022015). Collection method: clinical testing. Allele origin: germline.
Comment: This sequence change replaces valine, which is neutral and non-polar, with leucine, which is neutral and non-polar, at codon 26 of the PAX2 protein (p.Val26Leu). This variant is not present in population databases (gnomAD no frequency). This variant has not been reported in the literature in individuals affected with PAX2-related conditions. ClinVar contains an entry for this variant (Variation ID: 1480878). Experimental studies and prediction algorithms are not available or were not evaluated, and the functional significance of this variant is currently unknown. In summary, the available evidence is currently insufficient to determine the role of this variant in disease. Therefore, it has been classified as a Variant of Uncertain Significance.

NM_000278.5(PAX2):c.76G>C (p.Val26Leu)

Gene: PAX2 (paired box 2; plus strand). Cytogenetic location: 10q24.31.
Variant type: single nucleotide variant.
Coding change: c.76G>C on transcript NM_000278.5 (MANE Select); coding-DNA position 76, G replaced by C.
Protein change: p.Val26Leu; replaces valine 26 with leucine.
Molecular consequence: missense variant.
Genome position (GRCh38, 1-based): chr10:100,749,778, G>C. VCF-style: chr10-100749778-G-C. GRCh37 (hg19) VCF-style: chr10-102509535-G-C.
Other names: c.169G>C, p.Val57Leu (NM_001304569.2); c.76G>C, p.Val26Leu (NM_003987.5, NM_003988.5, NM_003989.5 and 1 more transcripts); short protein forms V26L, V57L.
Identifiers: ClinVar variation 1480878 (VCV001480878.6), dbSNP rs1022509510, ClinGen allele CA378257477.